The following is an entry in ClinVar:

ClinVar aggregate classification (germline): Uncertain significance (1 of 4 stars; one submission).

Submission:

Labcorp Genetics (formerly Invitae), Labcorp
Classification: Uncertain significance. Last evaluated: 2023-06-23. Review status: criteria provided, single submitter. Criteria: Invitae Variant Classification Sherloc (09022015). Collection method: clinical testing. Allele origin: germline.
Comment: This variant is not present in population databases (gnomAD no frequency). This sequence change replaces glutamic acid, which is acidic and polar, with glycine, which is neutral and non-polar, at codon 231 of the FGFR3 protein (p.Glu231Gly). In summary, the available evidence is currently insufficient to determine the role of this variant in disease. Therefore, it has been classified as a Variant of Uncertain Significance. Advanced modeling of protein sequence and biophysical properties (such as structural, functional, and spatial information, amino acid conservation, physicochemical variation, residue mobility, and thermodynamic stability) has been performed at Invitae for this missense variant, however the output from this modeling did not meet the statistical confidence thresholds required to predict the impact of this variant on FGFR3 protein function. This variant has not been reported in the literature in individuals affected with FGFR3-related conditions.

NM_000142.5(FGFR3):c.692A>G (p.Glu231Gly)

Gene: FGFR3 (fibroblast growth factor receptor 3; plus strand). Cytogenetic location: 4p16.3.
Variant type: single nucleotide variant.
Coding change: c.692A>G on transcript NM_000142.5 (MANE Select); coding-DNA position 692, A replaced by G.
Protein change: p.Glu231Gly; replaces glutamic acid 231 with glycine.
Molecular consequence: missense variant. On other transcripts: non-coding transcript variant (1).
Genome position (GRCh38, 1-based): chr4:1,801,696, A>G. VCF-style: chr4-1801696-A-G. GRCh37 (hg19) VCF-style: chr4-1803423-A-G.
Other names: c.692A>G, p.Glu231Gly (NM_022965.4, NM_001163213.2, NM_001354809.2 and 1 more transcripts); short protein forms E231G.
Identifiers: ClinVar variation 2725506 (VCV002725506.3), dbSNP rs2546805691, ClinGen allele CA355975597.